The following is an entry in ClinVar:

ClinVar aggregate classification (germline): Likely pathogenic (0 of 4 stars; one submission).

Conditions:
Retinitis pigmentosa 20 (RP20). Identifiers: Orphanet 791, MedGen C3151086, MONDO:0013425, OMIM 613794.

Submission:

Medical Genetics, Faculty of Medicine, Dokuz Eylül University
Classification: Likely pathogenic for Retinitis pigmentosa 20. Last evaluated: 2025-06-03. Review status: no assertion criteria provided. Collection method: clinical testing. Allele origin: germline. Inheritance: Autosomal recessive inheritance. Affected: yes. Observed: 1 homozygote.
Comment: The c.267C>G (p.Tyr89Ter), which is expected to cause nonsense-mediated decay (NMD) by creating a premature stop codon, has not been previously reported in the literature and databases. Loss-of-function variants in RPE65 are known to be pathogenic (PMID: 26047050). For these reasons, this variant has been classified as likely pathogenic.

Literature cited by the submitters: PubMed 26047050.

NM_000329.3(RPE65):c.267C>G (p.Tyr89Ter)

Gene: RPE65 (retinoid isomerohydrolase RPE65; minus strand). Cytogenetic location: 1p31.3.
Variant type: single nucleotide variant.
Coding change: c.267C>G on transcript NM_000329.3 (MANE Select); coding-DNA position 267, C replaced by G.
Protein change: p.Tyr89Ter; replaces tyrosine 89 with a stop codon.
Molecular consequence: nonsense. On other transcripts: 5 prime UTR variant (2), intron variant (1).
Genome position (GRCh38, 1-based): chr1:68,444,862, G>C on the plus strand (C>G on the coding strand, the complement: RPE65 is on the minus strand). VCF-style: chr1-68444862-G-C. GRCh37 (hg19) VCF-style: chr1-68910545-G-C.
Other names: p.(Tyr89Ter); c.-10C>G (NM_001406856.1, NM_001406857.1); c.267C>G, p.Tyr89Ter (NM_001406859.1, NM_001406860.1); c.246-190C>G (NM_001406853.1); short protein forms Y89*.
Identifiers: ClinVar variation 3901114 (VCV003901114.1).